The following is an entry in ClinVar:

NM_016373.4(WWOX):c.8C>T (p.Ala3Val)

Gene: WWOX (WW domain containing oxidoreductase; plus strand). Cytogenetic location: 16q23.1.
Variant type: single nucleotide variant.
Coding change: c.8C>T on transcript NM_016373.4 (MANE Select); coding-DNA position 8, C replaced by T.
Protein change: p.Ala3Val; replaces alanine 3 with valine.
Molecular consequence: missense variant. On other transcripts: 5 prime UTR variant (1), non-coding transcript variant (2).
Genome position (GRCh38, 1-based): chr16:78,099,786, C>T. VCF-style: chr16-78099786-C-T. GRCh37 (hg19) VCF-style: chr16-78133683-C-T.
Other names: c.-267C>T (NM_001291997.2); c.8C>T, p.Ala3Val (NM_130791.5); short protein forms A3V.
Identifiers: ClinVar variation 656357 (VCV000656357.7), dbSNP rs1241157001, ClinGen allele CA396841741.

ClinVar aggregate classification (germline): Uncertain significance (1 of 4 stars; one submission).

Conditions:
Developmental and epileptic encephalopathy, 1 (DEE1). Also called: X-linked infantile spasms; West's syndrome; Tonic spasms with clustering, arrest of psychomotor development and hypsarrhythmia on EEG; X-Linked Infantile Spasm Syndrome; INFANTILE SPASM SYNDROME, X-LINKED 1; Epileptic encephalopathy, early infantile, 1. Identifiers: MedGen C3463992, MONDO:0010632, OMIM 308350. Disease mechanism: loss of function.
Autosomal recessive spinocerebellar ataxia 12. Also called: SPINOCEREBELLAR ATAXIA WITH MENTAL RETARDATION AND EPILEPSY. Identifiers: Orphanet 284282, MedGen C3280452, MONDO:0013687, OMIM 614322.

Allele frequency attached by ClinVar (database versions not stated): TOPMed below 0.00001.

Submission:

Labcorp Genetics (formerly Invitae), Labcorp
Classification: Uncertain significance for Developmental and epileptic encephalopathy, 1; Autosomal recessive spinocerebellar ataxia 12. Last evaluated: 2020-04-24. Review status: criteria provided, single submitter. Criteria: Invitae Variant Classification Sherloc (09022015). Collection method: clinical testing. Allele origin: germline.
Comment: In summary, the available evidence is currently insufficient to determine the role of this variant in disease. Therefore, it has been classified as a Variant of Uncertain Significance. Algorithms developed to predict the effect of missense changes on protein structure and function are either unavailable or do not agree on the potential impact of this missense change (SIFT: Not Available; PolyPhen-2: "Possibly Damaging"; Align-GVGD: Not Available). This variant has not been reported in the literature in individuals with WWOX-related disease. This variant is not present in population databases (ExAC no frequency). This sequence change replaces alanine with valine at codon 3 of the WWOX protein (p.Ala3Val). The alanine residue is highly conserved and there is a small physicochemical difference between alanine and valine.